The following is an entry in ClinVar:

NM_025114.4(CEP290):c.6645+7C>T

Gene: CEP290 (centrosomal protein 290; minus strand). Cytogenetic location: 12q21.32.
Variant type: single nucleotide variant.
Coding change: c.6645+7C>T on transcript NM_025114.4 (MANE Select); 7 bases into the intron after coding-DNA position 6645, C replaced by T.
Molecular consequence: intron variant.
Genome position (GRCh38, 1-based): chr12:88,059,891, G>A on the plus strand (C>T on the coding strand, the complement: CEP290 is on the minus strand). VCF-style: chr12-88059891-G-A. GRCh37 (hg19) VCF-style: chr12-88453668-G-A.
Other names: c.6645+7C>T (NM_025114.3).
Identifiers: ClinVar variation 1624597 (VCV001624597.10), dbSNP rs762527255, ClinGen allele CA6711456.

ClinVar aggregate classification (germline): Likely benign. Review status: criteria provided, multiple submitters, no conflicts (2 of 4 stars). 3 submissions from 3 submitters: Likely benign (2). 1 of the submissions does not count toward it. Last evaluated 2021-11-24.

Conditions:
CEP290-related disorder. Also called: CEP290-related disorders; CEP290-related condition. Identifiers: MedGen CN239314.
Nephronophthisis. Also called: Juvenile Nephronophthisis. Identifiers: Orphanet 655, MedGen C0687120, MONDO:0019005, HP:0000090.
Meckel-Gruber syndrome. Also called: DYSENCEPHALIA SPLANCHNOCYSTICA; GRUBER SYNDROME; Dysencephalia splachnocystica. Identifiers: Orphanet 564, MedGen C0265215, MONDO:0018921.
Joubert syndrome. Also called: Familial aplasia of the vermis; JOUBERT-BOLTSHAUSER SYNDROME. Identifiers: Orphanet 475, MedGen C5979921, MONDO:0018772.

Allele frequency attached by ClinVar (database versions not stated): gnomAD exomes below 0.00001; gnomAD 0.00001; ExAC 0.00002.
gnomAD v4.1: 2 of 1,573,552 alleles (0.00013%); highest among the groups gnomAD compares: Middle Eastern, 0.017%; no homozygotes.

Submissions (3):

Labcorp Genetics (formerly Invitae), Labcorp
Classification: Likely benign for Joubert syndrome; Meckel-Gruber syndrome; Nephronophthisis. Last evaluated: 2021-11-24. Review status: criteria provided, single submitter. Criteria: Invitae Variant Classification Sherloc (09022015). Collection method: clinical testing. Allele origin: germline.

Blueprint Genetics
Classification: Likely benign. Last evaluated: 2020-09-24. Review status: criteria provided, single submitter. Criteria: ACMG Guidelines, 2015. Collection method: clinical testing. Allele origin: germline.

PreventionGenetics, part of Exact Sciences
Classification: Likely benign for CEP290-related condition. Last evaluated: 2022-07-07. Review status: no assertion criteria provided. Collection method: clinical testing. Allele origin: germline. Not counted in ClinVar's aggregate classification.
Comment: This variant is classified as likely benign based on ACMG/AMP sequence variant interpretation guidelines (Richards et al. 2015 PMID: 25741868, with internal and published modifications).